The following is an entry in ClinVar:

NM_000553.6(WRN):c.2114C>T (p.Thr705Ile)

Gene: WRN (WRN RecQ like helicase; plus strand). Cytogenetic location: 8p12.
Variant type: single nucleotide variant.
Coding change: c.2114C>T on transcript NM_000553.6 (MANE Select); coding-DNA position 2114, C replaced by T.
Protein change: p.Thr705Ile; replaces threonine 705 with isoleucine.
Molecular consequence: missense variant.
Genome position (GRCh38, 1-based): chr8:31,111,640, C>T. VCF-style: chr8-31111640-C-T. GRCh37 (hg19) VCF-style: chr8-30969156-C-T.
Other names: short protein forms T705I.
Identifiers: ClinVar variation 238135 (VCV000238135.16), dbSNP rs141563618, ClinGen allele CA4704647.

ClinVar aggregate classification (germline): Uncertain significance. Review status: criteria provided, multiple submitters, no conflicts (2 of 4 stars). 6 submissions from 6 submitters: Uncertain significance (6). Last evaluated 2026-01-11.

Conditions:
Werner syndrome (WRN). Identifiers: Orphanet 902, MedGen C0043119, MONDO:0010196, OMIM 277700.

Allele frequency attached by ClinVar (database versions not stated): 1000 Genomes Project 30x 0.00016; gnomAD 0.00017 and 0.00018; TOPMed 0.00019; 1000 Genomes Project 0.00020; gnomAD exomes 0.00025 and 0.00036; ESP Exome Variant Server 0.00038; ExAC 0.00054.
gnomAD v4.1: 392 of 1,614,036 alleles (0.024%); highest among the groups gnomAD compares: Non-Finnish European, 0.031%; no homozygotes.

Submissions (6):

Labcorp Genetics (formerly Invitae), Labcorp
Classification: Uncertain significance for Werner syndrome. Last evaluated: 2026-01-11. Review status: criteria provided, single submitter. Criteria: Invitae Variant Classification Sherloc (09022015). Collection method: clinical testing. Allele origin: germline.
Comment: This sequence change replaces threonine, which is neutral and polar, with isoleucine, which is neutral and non-polar, at codon 705 of the WRN protein (p.Thr705Ile). This variant is present in population databases (rs141563618, gnomAD 0.07%). This missense change has been observed in individual(s) with abnormal lipid metabolism and/or colorectal cancer (PMID: 26344056, 32041611). ClinVar contains an entry for this variant (Variation ID: 238135). An algorithm developed to predict the effect of missense changes on protein structure and function (PolyPhen-2) suggests that this variant is likely to be disruptive. In summary, the available evidence is currently insufficient to determine the role of this variant in disease. Therefore, it has been classified as a Variant of Uncertain Significance.

Women's Health and Genetics/Laboratory Corporation of America, LabCorp
Classification: Uncertain significance. Last evaluated: 2025-08-29. Review status: criteria provided, single submitter. Criteria: LabCorp Variant Classification Summary - May 2015. Collection method: clinical testing. Allele origin: germline.
Comment: Variant summary: WRN c.2114C>T (p.Thr705Ile) results in a non-conservative amino acid change located in the DEAD/DEAH box helicase domain (IPR011545) of the encoded protein sequence. Algorithms developed to predict the effect of missense changes on protein structure and function all suggest that this variant is likely to be disruptive. The variant allele was found at a frequency of 0.00036 in 251388 control chromosomes. This frequency is not significantly higher than estimated for disease-causing variants in WRN, allowing no conclusion about variant significance. c.2114C>T has been reported in the literature as a non-informative genotype in an individual with familial colorectal carcinomas of an undefined genetic basis (example, Arora_2015). These report(s) do not provide unequivocal conclusions about association of the variant with Werner Syndrome. At least one publication reports experimental evidence evaluating an impact on protein function, however, does not allow convincing conclusions about the variant effect despite reporting an absence of helicase activity in-vitro (Arora_2015). The following publication have been ascertained in the context of this evaluation (PMID: 26344056). ClinVar contains an entry for this variant (Variation ID: 238135). Based on the evidence outlined above, the variant was classified as uncertain significance.

Blueprint Genetics
Classification: Uncertain significance. Last evaluated: 2024-10-29. Review status: criteria provided, single submitter. Criteria: ACMG Guidelines, 2015. Collection method: clinical testing. Allele origin: germline.

Fulgent Genetics
Classification: Uncertain significance for Werner syndrome. Last evaluated: 2024-03-29. Review status: criteria provided, single submitter. Criteria: ACMG Guidelines, 2015. Collection method: clinical testing. Allele origin: germline.

Department of Pathology and Laboratory Medicine, Sinai Health System
Classification: Uncertain significance for Werner syndrome. Last evaluated: 2023-09-28. Review status: criteria provided, single submitter. Criteria: ACMG Guidelines, 2015. Collection method: research. Allele origin: germline.

Illumina Laboratory Services, Illumina
Classification: Uncertain significance for Werner syndrome. Last evaluated: 2017-06-05. Review status: criteria provided, single submitter. Criteria: ICSL Variant Classification Criteria 13 December 2019. Collection method: clinical testing. Allele origin: germline.
Comment: This variant was observed as part of a predisposition screen in an ostensibly healthy population. A literature search was performed for the gene, cDNA change, and amino acid change (where applicable). Publications were found based on this search. However, the evidence from the literature, in combination with allele frequency data from public databases where available, was not sufficient to rule this variant in or out of causing disease. Therefore, this variant is classified as a variant of unknown significance.

Literature cited by the submitters: PubMed 26344056 (cited by 3 submitters); PubMed 32041611 (cited by Labcorp Genetics (formerly Invitae), Labcorp).